The following is an entry in ClinVar:

ClinVar aggregate classification (germline): Conflicting classifications of pathogenicity. Review status: criteria provided, conflicting classifications (1 of 4 stars). 2 submissions from 2 submitters: Likely pathogenic (1); Uncertain significance (1). Last evaluated 2026-04-15.

Conditions:
Nemaline myopathy 2 (NEM2). Also called: Nemaline myopathy 2, autosomal recessive. Identifiers: MedGen C1850569, MONDO:0009725, OMIM 256030.

gnomAD v4.1: 1 of 1,141,796 alleles (0.000088%); highest among the groups gnomAD compares: South Asian, 0.0022%; no homozygotes.

Submissions (2):

Myriad Genetics, Inc.
Classification: Uncertain significance for Nemaline myopathy 2. Last evaluated: 2026-04-15. Review status: criteria provided, single submitter. Criteria: Myriad Autosomal Dominant, Autosomal Recessive and X-Linked Classification Criteria (2023). Collection method: clinical testing. Allele origin: unknown.
Comment: NM_001271208.1(NEB):c.11077-2A>G is a variant in a canonical splice site classified as a variant of uncertain significance in the context of NEB-related nemaline myopathy. c.11077-2A>G has not been observed in cases with relevant disease. Relevant functional assessments of this variant are not available in the literature. c.11077-2A>G has not been observed in referenced population frequency databases. In summary, there is insufficient evidence to classify NM_001271208.1(NEB):c.11077-2A>G as pathogenic or benign. Please note: this variant was assessed in the context of healthy population screening.

Labcorp Genetics (formerly Invitae), Labcorp
Classification: Likely pathogenic for Nemaline myopathy 2. Last evaluated: 2025-12-23. Review status: criteria provided, single submitter. Criteria: Invitae Variant Classification Sherloc (09022015). Collection method: clinical testing. Allele origin: germline.
Comment: This sequence change affects an acceptor splice site in intron 74 of the NEB gene. It is expected to disrupt RNA splicing. Variants that disrupt the donor or acceptor splice site typically lead to a loss of protein function (PMID: 16199547), and loss-of-function variants in NEB are known to be pathogenic (PMID: 25205138). This variant is not present in population databases (gnomAD no frequency). This variant has not been reported in the literature in individuals affected with NEB-related conditions. Algorithms developed to predict the effect of sequence changes on RNA splicing suggest that this variant may disrupt the consensus splice site. In summary, the currently available evidence indicates that the variant is pathogenic, but additional data are needed to prove that conclusively. Therefore, this variant has been classified as Likely Pathogenic.

Literature cited by the submitters: PubMed 16199547 (cited by Labcorp Genetics (formerly Invitae), Labcorp); PubMed 25205138 (cited by Labcorp Genetics (formerly Invitae), Labcorp).

NM_001164508.2(NEB):c.11077-2A>G

Gene: NEB (nebulin; minus strand). Cytogenetic location: 2q23.3.
Variant type: single nucleotide variant.
Coding change: c.11077-2A>G on transcript NM_001164508.2 (MANE Select); the canonical splice acceptor site of the intron before coding-DNA position 11077, A replaced by G.
Molecular consequence: splice acceptor variant.
Genome position (GRCh38, 1-based): chr2:151,617,470, T>C on the plus strand (A>G on the coding strand, the complement: NEB is on the minus strand). VCF-style: chr2-151617470-T-C. GRCh37 (hg19) VCF-style: chr2-152473984-T-C.
Other names: c.11077-2A>G (NM_001164507.2, NM_001271208.2); c.10348-2A>G (NM_004543.5).
Identifiers: ClinVar variation 4733975 (VCV004733975.2).